The following is an entry in ClinVar:

NM_007215.4(POLG2):c.122G>A (p.Gly41Glu)

Genes: MILR1 (mast cell immunoglobulin like receptor 1; plus strand), POLG2 (DNA polymerase gamma 2, accessory subunit; minus strand). Cytogenetic location: 17q23.3.
Variant type: single nucleotide variant.
Coding change: c.122G>A on transcript NM_007215.4 (MANE Select); coding-DNA position 122, G replaced by A.
Protein change: p.Gly41Glu; replaces glycine 41 with glutamic acid.
Molecular consequence: missense variant.
Genome position (GRCh38, 1-based): chr17:64,496,847, C>T on the plus strand (G>A on the coding strand, the complement: POLG2 is on the minus strand). VCF-style: chr17-64496847-C-T. GRCh37 (hg19) VCF-style: chr17-62492965-C-T.
Other names: p.G41E:GGA>GAA; p.Gly41Glu; short protein forms G41E.
Identifiers: ClinVar variation 215021 (VCV000215021.17), dbSNP rs146504115, ClinGen allele CA323991.

ClinVar aggregate classification (germline): Conflicting classifications of pathogenicity. Review status: criteria provided, conflicting classifications (1 of 4 stars). 5 submissions from 5 submitters: Uncertain significance (1); Benign (2); Likely benign (1). 1 of the submissions does not count toward it. Last evaluated 2026-01-27.

Conditions:
POLG2-related disorder. Also called: POLG2-related disorders; POLG2-related condition.

Allele frequency attached by ClinVar (database versions not stated): gnomAD exomes 0.00015 and 0.00041; ExAC 0.00046; gnomAD 0.00164 and 0.00175; ESP Exome Variant Server 0.00177; TOPMed 0.00179; 1000 Genomes Project 0.00180; 1000 Genomes Project 30x 0.00203.
gnomAD v4.1: 478 of 1,613,876 alleles (0.03%); highest among the groups gnomAD compares: African/African-American, 0.59%; 2 homozygotes.

Submissions (5):

Labcorp Genetics (formerly Invitae), Labcorp
Classification: Benign. Last evaluated: 2026-01-27. Review status: criteria provided, single submitter. Criteria: Invitae Variant Classification Sherloc (09022015). Collection method: clinical testing. Allele origin: germline.

Mayo Clinic Laboratories, Mayo Clinic
Classification: Likely benign. Last evaluated: 2025-09-19. Review status: criteria provided, single submitter. Criteria: ACMG Guidelines, 2015. Collection method: clinical testing. Allele origin: germline. Observed: 2 variant alleles.
Comment: BA1, BP4

Center for Pediatric Genomic Medicine, Children's Mercy Hospital and Clinics
Classification: Uncertain significance. Last evaluated: 2016-09-02. Review status: criteria provided, single submitter. Criteria: ACMG Guidelines, 2015. Collection method: clinical testing. Allele origin: germline.
ClinVar note: Converted during submission from Uncertain Significance to Uncertain significance.

GeneDx
Classification: Benign. Last evaluated: 2015-01-30. Review status: criteria provided, single submitter. Criteria: GeneDx Variant Classification (06012015). Collection method: clinical testing. Allele origin: germline. Affected: yes.
Comment: This variant is considered likely benign or benign based on one or more of the following criteria: it is a conservative change, it occurs at a poorly conserved position in the protein, it is predicted to be benign by multiple in silico algorithms, and/or has population frequency not consistent with disease.

PreventionGenetics, part of Exact Sciences
Classification: Likely benign for POLG2-related condition. Last evaluated: 2019-09-25. Review status: no assertion criteria provided. Collection method: clinical testing. Allele origin: germline. Not counted in ClinVar's aggregate classification.
Comment: This variant is classified as likely benign based on ACMG/AMP sequence variant interpretation guidelines (Richards et al. 2015 PMID: 25741868, with internal and published modifications).